The following is an entry in ClinVar:

ClinVar aggregate classification (germline): Uncertain significance (1 of 4 stars; one submission).

Submission:

GeneDx
Classification: Uncertain significance. Last evaluated: 2026-02-16. Review status: criteria provided, single submitter. Criteria: GeneDx Variant Classification Process June 2021. Collection method: clinical testing. Allele origin: germline.
Comment: Not observed at significant frequency in large population cohorts (gnomAD); In silico analysis suggests that this missense variant does not alter protein structure/function; Has not been previously published as pathogenic or benign to our knowledge

NM_004656.4(BAP1):c.1105T>G (p.Ser369Ala)

Gene: BAP1 (BRCA1 associated deubiquitinase 1; minus strand). Cytogenetic location: 3p21.1.
Variant type: single nucleotide variant.
Coding change: c.1105T>G on transcript NM_004656.4 (MANE Select); coding-DNA position 1105, T replaced by G.
Protein change: p.Ser369Ala; replaces serine 369 with alanine.
Molecular consequence: missense variant.
Genome position (GRCh38, 1-based): chr3:52,405,121, A>C on the plus strand (T>G on the coding strand, the complement: BAP1 is on the minus strand). VCF-style: chr3-52405121-A-C. GRCh37 (hg19) VCF-style: chr3-52439137-A-C.
Other names: c.1051T>G, p.Ser351Ala (NM_001410772.1); short protein forms S351A, S369A.
Identifiers: ClinVar variation 5008101 (VCV005008101.1).